The following is an entry in ClinVar:

NM_001374828.1(ARID1B):c.6526C>G (p.Leu2176Val)

Gene: ARID1B (AT-rich interaction domain 1B; plus strand). Cytogenetic location: 6q25.3.
Variant type: single nucleotide variant.
Coding change: c.6526C>G on transcript NM_001374828.1 (MANE Select); coding-DNA position 6526, C replaced by G.
Protein change: p.Leu2176Val; replaces leucine 2176 with valine.
Molecular consequence: missense variant.
Genome position (GRCh38, 1-based): chr6:157,207,298, C>G. VCF-style: chr6-157207298-C-G. GRCh37 (hg19) VCF-style: chr6-157528432-C-G.
Other names: c.4027C>G, p.Leu1343Val (NM_001363725.2); c.6406C>G, p.Leu2136Val (NM_001371656.1, NM_001374820.1); c.6367C>G, p.Leu2123Val (NM_017519.3); short protein forms L2136V, L1343V, L2123V, L2176V.
Identifiers: ClinVar variation 3675996 (VCV003675996.2).

ClinVar aggregate classification (germline): Uncertain significance (1 of 4 stars; one submission).

gnomAD v4.1: 1 of 1,614,092 alleles (0.000062%); highest among the groups gnomAD compares: Admixed American, 0.0017%; no homozygotes.

Submission:

Labcorp Genetics (formerly Invitae), Labcorp
Classification: Uncertain significance. Last evaluated: 2024-04-03. Review status: criteria provided, single submitter. Criteria: Invitae Variant Classification Sherloc (09022015). Collection method: clinical testing. Allele origin: germline.
Comment: This sequence change replaces leucine, which is neutral and non-polar, with valine, which is neutral and non-polar, at codon 2053 of the ARID1B protein (p.Leu2053Val). This variant is present in population databases (no rsID available, gnomAD 0.003%). This variant has not been reported in the literature in individuals affected with ARID1B-related conditions. Advanced modeling of protein sequence and biophysical properties (such as structural, functional, and spatial information, amino acid conservation, physicochemical variation, residue mobility, and thermodynamic stability) has been performed at Invitae for this missense variant, however the output from this modeling did not meet the statistical confidence thresholds required to predict the impact of this variant on ARID1B protein function. In summary, the available evidence is currently insufficient to determine the role of this variant in disease. Therefore, it has been classified as a Variant of Uncertain Significance.